The following is an entry in ClinVar:

ClinVar aggregate classification (germline): Uncertain significance (1 of 4 stars; one submission).

Conditions:
Ullrich congenital muscular dystrophy 2 (UCMD2). Identifiers: Orphanet 75840, MedGen C4225314, MONDO:0014654, OMIM 616470.
Bethlem myopathy 2 (BTHLM2). Identifiers: Orphanet 536516, Orphanet 610, MedGen C4225313, MONDO:0034022, OMIM 616471.

gnomAD v4.1: 1 of 1,613,956 alleles (0.000062%); highest among the groups gnomAD compares: Non-Finnish European, 0.000085%; no homozygotes.

Submission:

Labcorp Genetics (formerly Invitae), Labcorp
Classification: Uncertain significance for Bethlem myopathy 2; Ullrich congenital muscular dystrophy 2. Last evaluated: 2024-03-29. Review status: criteria provided, single submitter. Criteria: Invitae Variant Classification Sherloc (09022015). Collection method: clinical testing. Allele origin: germline.
Comment: This sequence change replaces threonine, which is neutral and polar, with alanine, which is neutral and non-polar, at codon 919 of the COL12A1 protein (p.Thr919Ala). This variant is not present in population databases (gnomAD no frequency). This variant has not been reported in the literature in individuals affected with COL12A1-related conditions. Advanced modeling of protein sequence and biophysical properties (such as structural, functional, and spatial information, amino acid conservation, physicochemical variation, residue mobility, and thermodynamic stability) performed at Invitae indicates that this missense variant is not expected to disrupt COL12A1 protein function with a negative predictive value of 80%. In summary, the available evidence is currently insufficient to determine the role of this variant in disease. Therefore, it has been classified as a Variant of Uncertain Significance.

NM_004370.6(COL12A1):c.2755A>G (p.Thr919Ala)

Gene: COL12A1 (collagen type XII alpha 1 chain; minus strand). Cytogenetic location: 6q13.
Variant type: single nucleotide variant.
Coding change: c.2755A>G on transcript NM_004370.6 (MANE Select); coding-DNA position 2755, A replaced by G.
Protein change: p.Thr919Ala; replaces threonine 919 with alanine.
Molecular consequence: missense variant. On other transcripts: intron variant (2).
Genome position (GRCh38, 1-based): chr6:75,165,735, T>C on the plus strand (A>G on the coding strand, the complement: COL12A1 is on the minus strand). VCF-style: chr6-75165735-T-C. GRCh37 (hg19) VCF-style: chr6-75875451-T-C.
Other names: c.2755A>G, p.Thr919Ala (NM_001424114.1, NM_001424113.1); c.2482A>G, p.Thr828Ala (NM_001424115.1); c.74-13253A>G (NM_001424116.1, NM_080645.3); short protein forms T828A, T919A.
Identifiers: ClinVar variation 3755331 (VCV003755331.2).